The following is an entry in ClinVar:

ClinVar aggregate classification (germline): Likely benign (1 of 4 stars; one submission).

Allele frequency attached by ClinVar (database versions not stated): ExAC 0.00083; ESP Exome Variant Server 0.00174; gnomAD 0.00211; 1000 Genomes Project 0.00319; 1000 Genomes Project 30x 0.00328.
gnomAD v4.1: 616 of 1,610,240 alleles (0.038%); highest among the groups gnomAD compares: African/African-American, 0.68%; no homozygotes.

Submission:

CeGaT Center for Human Genetics Tuebingen
Classification: Likely benign. Last evaluated: 2022-11-01. Review status: criteria provided, single submitter. Criteria: CeGaT Center For Human Genetics Tuebingen Variant Classification Criteria Version 2. Collection method: clinical testing. Allele origin: germline. Affected: yes. Observed: 1 variant allele.
Comment: AHNAK2: BP4, BP7

NM_138420.4(AHNAK2):c.10608A>G (p.Gln3536=)

Gene: AHNAK2 (AHNAK nucleoprotein 2; minus strand). Cytogenetic location: 14q32.33.
Variant type: single nucleotide variant.
Coding change: c.10608A>G on transcript NM_138420.4 (MANE Select); coding-DNA position 10608, A replaced by G.
Protein change: p.Gln3536=; no amino-acid change (glutamine 3536 retained).
Molecular consequence: synonymous variant.
Genome position (GRCh38, 1-based): chr14:104,944,843, T>C on the plus strand (A>G on the coding strand, the complement: AHNAK2 is on the minus strand). VCF-style: chr14-104944843-T-C. GRCh37 (hg19) VCF-style: chr14-105411180-T-C.
Other names: c.10308A>G, p.Gln3436= (NM_001350929.2).
Identifiers: ClinVar variation 2644664 (VCV002644664.24), dbSNP rs116922515, ClinGen allele CA7379041.